The following is an entry in ClinVar:

NM_001105206.3(LAMA4):c.1818-3C>T

Gene: LAMA4 (laminin subunit alpha 4; minus strand). Cytogenetic location: 6q21.
Variant type: single nucleotide variant.
Coding change: c.1818-3C>T on transcript NM_001105206.3 (MANE Select); 3 bases into the intron before coding-DNA position 1818, C replaced by T.
Molecular consequence: intron variant.
Genome position (GRCh38, 1-based): chr6:112,155,709, G>A on the plus strand (C>T on the coding strand, the complement: LAMA4 is on the minus strand). VCF-style: chr6-112155709-G-A. GRCh37 (hg19) VCF-style: chr6-112476911-G-A.
Other names: c.1797-3C>T (NM_002290.5, NM_001105207.3).
Identifiers: ClinVar variation 1451086 (VCV001451086.6), dbSNP rs1402200171, ClinGen allele CA569671357.

ClinVar aggregate classification (germline): Uncertain significance (1 of 4 stars; one submission).

Conditions:
Dilated cardiomyopathy 1JJ (CMD1JJ). Identifiers: Orphanet 154, MedGen C3808935, MONDO:0014095, OMIM 615235.

Allele frequency attached by ClinVar (database versions not stated): gnomAD exomes below 0.00001; TOPMed 0.00001.
gnomAD v4.1: 2 of 1,613,914 alleles (0.00012%); highest among the groups gnomAD compares: Non-Finnish European, 0.00017%; no homozygotes.

Submission:

Labcorp Genetics (formerly Invitae), Labcorp
Classification: Uncertain significance for Dilated cardiomyopathy 1JJ. Last evaluated: 2022-08-09. Review status: criteria provided, single submitter. Criteria: Invitae Variant Classification Sherloc (09022015). Collection method: clinical testing. Allele origin: germline.
Comment: In summary, the available evidence is currently insufficient to determine the role of this variant in disease. Therefore, it has been classified as a Variant of Uncertain Significance. Variants that disrupt the consensus splice site are a relatively common cause of aberrant splicing (PMID: 17576681, 9536098). Algorithms developed to predict the effect of sequence changes on RNA splicing suggest that this variant is not likely to affect RNA splicing. ClinVar contains an entry for this variant (Variation ID: 1451086). This variant has not been reported in the literature in individuals affected with LAMA4-related conditions. This variant is present in population databases (no rsID available, gnomAD 0.0009%). This sequence change falls in intron 14 of the LAMA4 gene. It does not directly change the encoded amino acid sequence of the LAMA4 protein. It affects a nucleotide within the consensus splice site.

Literature cited by the submitters: PubMed 17576681; PubMed 9536098.